The following is an entry in ClinVar:

ClinVar aggregate classification (germline): Uncertain significance (1 of 4 stars; one submission).

Submission:

GeneDx
Classification: Uncertain significance. Last evaluated: 2019-07-24. Review status: criteria provided, single submitter. Criteria: GeneDx Variant Classification Process June 2021. Collection method: clinical testing. Allele origin: germline. Affected: yes.
Comment: Not observed in large population cohorts (Lek et al., 2016); In silico analysis, which includes protein predictors and evolutionary conservation, supports that this variant does not alter protein structure/function; Has not been previously published as pathogenic or benign to our knowledge

NM_007373.4(SHOC2):c.46C>T (p.Pro16Ser)

Gene: SHOC2 (SHOC2 leucine rich repeat scaffold protein; plus strand). Cytogenetic location: 10q25.2.
Variant type: single nucleotide variant.
Coding change: c.46C>T on transcript NM_007373.4 (MANE Select); coding-DNA position 46, C replaced by T.
Protein change: p.Pro16Ser; replaces proline 16 with serine.
Molecular consequence: missense variant.
Genome position (GRCh38, 1-based): chr10:110,964,404, C>T. VCF-style: chr10-110964404-C-T. GRCh37 (hg19) VCF-style: chr10-112724162-C-T.
Other names: c.46C>T, p.Pro16Ser (NM_001269039.3, NM_001324336.2, NM_001324337.2); short protein forms P16S.
Identifiers: ClinVar variation 1207211 (VCV001207211.3), dbSNP rs2134120985, ClinGen allele CA378380651.